The following is an entry in ClinVar:

ClinVar aggregate classification (germline): Uncertain significance (1 of 4 stars; one submission).

Submission:

Ambry Genetics
Classification: Uncertain significance. Last evaluated: 2025-03-24. Review status: criteria provided, single submitter. Criteria: Ambry Variant Classification Scheme 2023. Collection method: clinical testing. Allele origin: germline.
Comment: The p.A74T variant (also known as c.220G>A), located in coding exon 1 of the GALNT12 gene, results from a G to A substitution at nucleotide position 220. The alanine at codon 74 is replaced by threonine, an amino acid with similar properties. This amino acid position is conserved. In addition, this alteration is predicted to be tolerated by in silico analysis. Since supporting evidence is limited at this time, the clinical significance of this alteration remains unclear.

NM_024642.5(GALNT12):c.220G>A (p.Ala74Thr)

Gene: GALNT12 (polypeptide N-acetylgalactosaminyltransferase 12; plus strand). Cytogenetic location: 9q22.33.
Variant type: single nucleotide variant.
Coding change: c.220G>A on transcript NM_024642.5 (MANE Select); coding-DNA position 220, G replaced by A.
Protein change: p.Ala74Thr; replaces alanine 74 with threonine.
Molecular consequence: missense variant.
Genome position (GRCh38, 1-based): chr9:98,807,918, G>A. VCF-style: chr9-98807918-G-A. GRCh37 (hg19) VCF-style: chr9-101570200-G-A.
Other names: short protein forms A74T.
Identifiers: ClinVar variation 2473033 (VCV002473033.3), dbSNP rs2490455771, ClinGen allele CA374222549.